The following is an entry in ClinVar:

NM_182916.3(TRNT1):c.1088G>C (p.Cys363Ser)

Gene: TRNT1 (tRNA nucleotidyl transferase 1; plus strand). Cytogenetic location: 3p26.2.
Variant type: single nucleotide variant.
Coding change: c.1088G>C on transcript NM_182916.3 (MANE Select); coding-DNA position 1088, G replaced by C.
Protein change: p.Cys363Ser; replaces cysteine 363 with serine.
Molecular consequence: missense variant. On other transcripts: non-coding transcript variant (8).
Genome position (GRCh38, 1-based): chr3:3,147,937, G>C. VCF-style: chr3-3147937-G-C. GRCh37 (hg19) VCF-style: chr3-3189621-G-C.
Other names: c.1028G>C, p.Cys343Ser (NM_001302946.2); c.1088G>C, p.Cys363Ser (NM_001367321.1, NM_001367322.1, NM_001367323.1); short protein forms C343S, C363S.
Identifiers: ClinVar variation 962794 (VCV000962794.1), dbSNP rs773206803, ClinGen allele CA2228895.

ClinVar aggregate classification (germline): Uncertain significance (1 of 4 stars; one submission).

Conditions:
Congenital sideroblastic anemia-B-cell immunodeficiency-periodic fever-developmental delay syndrome. Also called: Sideroblastic anemia with B-cell immunodeficiency, periodic fevers, and developmental delay. Identifiers: Orphanet 369861, MedGen C4015172, MONDO:0014487, OMIM 616084.

Allele frequency attached by ClinVar (database versions not stated): gnomAD exomes below 0.00001; ExAC 0.00001.
gnomAD v4.1: 2 of 1,613,804 alleles (0.00012%); highest among the groups gnomAD compares: South Asian, 0.0022%; no homozygotes.

Submission:

Labcorp Genetics (formerly Invitae), Labcorp
Classification: Uncertain significance for Sideroblastic anemia with B-cell immunodeficiency, periodic fevers, and developmental delay. Last evaluated: 2019-09-04. Review status: criteria provided, single submitter. Criteria: Invitae Variant Classification Sherloc (09022015). Collection method: clinical testing. Allele origin: germline.
Comment: This sequence change replaces cysteine with serine at codon 363 of the TRNT1 protein (p.Cys363Ser). The cysteine residue is weakly conserved and there is a moderate physicochemical difference between cysteine and serine. This variant is present in population databases (rs773206803, ExAC 0.006%). This variant has not been reported in the literature in individuals with TRNT1-related conditions. Algorithms developed to predict the effect of missense changes on protein structure and function (SIFT, PolyPhen-2, Align-GVGD) all suggest that this variant is likely to be tolerated, but these predictions have not been confirmed by published functional studies and their clinical significance is uncertain. In summary, the available evidence is currently insufficient to determine the role of this variant in disease. Therefore, it has been classified as a Variant of Uncertain Significance.